The following is an entry in ClinVar:

ClinVar aggregate classification (germline): Pathogenic. Review status: criteria provided, multiple submitters, no conflicts (2 of 4 stars). 2 submissions from 2 submitters: Pathogenic (2). Last evaluated 2025-06-23.

Conditions:
Methylmalonic aciduria, cblB type (MACB). Also called: Methylmalonic acidemia cblB type; METHYLMALONIC ACIDURIA, VITAMIN B12-RESPONSIVE, DUE TO DEFECT IN SYNTHESIS OF ADENOSYLCOBALAMIN, cblB TYPE; Vitamin B12-responsive methylmalonic acidemia type cblB. Identifiers: Orphanet 28, Orphanet 79311, MedGen C1855102, MONDO:0009614, OMIM 251110.

Allele frequency attached by ClinVar (database versions not stated): TOPMed below 0.00001.

Submissions (2):

Myriad Genetics, Inc.
Classification: Pathogenic for Methylmalonic aciduria, cblB type. Last evaluated: 2025-06-23. Review status: criteria provided, single submitter. Criteria: Myriad Autosomal Dominant, Autosomal Recessive and X-Linked Classification Criteria (2023). Collection method: clinical testing. Allele origin: unknown.
Comment: NM_052845.3(MMAB):c.139C>T(Q47*) is a nonsense variant classified as pathogenic in the context of methylmalonic acidemia, cblB type. Q47* has not been observed in cases with relevant disease. Relevant functional assessments of this variant are not available in the literature. Q47* has not been observed in referenced population frequency databases. In summary, NM_052845.3(MMAB):c.139C>T(Q47*) is a nonsense variant in a gene where loss of function is a known mechanism of disease and is predicted to disrupt protein function. Please note: this variant was assessed in the context of healthy population screening.

Labcorp Genetics (formerly Invitae), Labcorp
Classification: Pathogenic for Methylmalonic aciduria, cblB type. Last evaluated: 2023-08-02. Review status: criteria provided, single submitter. Criteria: Invitae Variant Classification Sherloc (09022015). Collection method: clinical testing. Allele origin: germline.
Comment: This sequence change creates a premature translational stop signal (p.Gln47*) in the MMAB gene. It is expected to result in an absent or disrupted protein product. Loss-of-function variants in MMAB are known to be pathogenic (PMID: 15781192, 16410054). This variant is not present in population databases (gnomAD no frequency). This variant has not been reported in the literature in individuals affected with MMAB-related conditions. For these reasons, this variant has been classified as Pathogenic.

Literature cited by the submitters: PubMed 15781192 (cited by Labcorp Genetics (formerly Invitae), Labcorp); PubMed 16410054 (cited by Labcorp Genetics (formerly Invitae), Labcorp).

NM_052845.4(MMAB):c.139C>T (p.Gln47Ter)

Gene: MMAB (metabolism of cobalamin associated B; minus strand). Cytogenetic location: 12q24.11.
Variant type: single nucleotide variant.
Coding change: c.139C>T on transcript NM_052845.4 (MANE Select); coding-DNA position 139, C replaced by T.
Protein change: p.Gln47Ter; replaces glutamine 47 with a stop codon.
Molecular consequence: nonsense. On other transcripts: non-coding transcript variant (1).
Genome position (GRCh38, 1-based): chr12:109,571,706, G>A on the plus strand (C>T on the coding strand, the complement: MMAB is on the minus strand). VCF-style: chr12-109571706-G-A. GRCh37 (hg19) VCF-style: chr12-110009511-G-A.
Other names: short protein forms Q47*.
Identifiers: ClinVar variation 2749351 (VCV002749351.4), dbSNP rs1884632948, ClinGen allele CA386640512.